The following is an entry in ClinVar:

NM_001620.3(AHNAK):c.14092G>A (p.Glu4698Lys)

Gene: AHNAK (AHNAK nucleoprotein; minus strand). Cytogenetic location: 11q12.3.
Variant type: single nucleotide variant.
Coding change: c.14092G>A on transcript NM_001620.3 (MANE Select); coding-DNA position 14092, G replaced by A.
Protein change: p.Glu4698Lys; replaces glutamic acid 4698 with lysine.
Molecular consequence: missense variant. On other transcripts: intron variant (1).
Genome position (GRCh38, 1-based): chr11:62,520,325, C>T on the plus strand (G>A on the coding strand, the complement: AHNAK is on the minus strand). VCF-style: chr11-62520325-C-T. GRCh37 (hg19) VCF-style: chr11-62287797-C-T.
Other names: c.14092G>A, p.Glu4698Lys (NM_001346445.2, NM_001346446.2); c.342+14678G>A (NM_024060.4); short protein forms E4698K.
Identifiers: ClinVar variation 3388347 (VCV003388347.14).

ClinVar aggregate classification (germline): Likely benign (1 of 4 stars; one submission).

gnomAD v4.1: 139 of 1,612,754 alleles (0.0086%); highest among the groups gnomAD compares: South Asian, 0.04%; 1 homozygote.

Submission:

CeGaT Center for Human Genetics Tuebingen
Classification: Likely benign. Last evaluated: 2024-09-01. Review status: criteria provided, single submitter. Criteria: CeGaT Center For Human Genetics Tuebingen Variant Classification Criteria Version 2. Collection method: clinical testing. Allele origin: germline. Affected: yes. Observed: 1 variant allele.
Comment: AHNAK: BP4, BS1